The following is an entry in ClinVar:

NM_024675.4(PALB2):c.2894A>C (p.Asn965Thr)

Gene: PALB2 (partner and localizer of BRCA2; minus strand). Cytogenetic location: 16p12.2.
Variant type: single nucleotide variant.
Coding change: c.2894A>C on transcript NM_024675.4 (MANE Select); coding-DNA position 2894, A replaced by C.
Protein change: p.Asn965Thr; replaces asparagine 965 with threonine.
Molecular consequence: missense variant. On other transcripts: intron variant (1).
Genome position (GRCh38, 1-based): chr16:23,623,071, T>G on the plus strand (A>C on the coding strand, the complement: PALB2 is on the minus strand). VCF-style: chr16-23623071-T-G. GRCh37 (hg19) VCF-style: chr16-23634392-T-G.
Other names: c.2834A>C, p.Asn945Thr (NM_001407296.1); c.2822A>C, p.Asn941Thr (NM_001407297.1); c.2732A>C, p.Asn911Thr (NM_001407298.1, NM_001407302.1); c.2894A>C, p.Asn965Thr (NM_001407299.1, NM_001407301.1); c.2009A>C, p.Asn670Thr (NM_001407304.1, NM_001407305.1, NM_001407306.1 and 4 more transcripts); c.1847A>C, p.Asn616Thr (NM_001407307.1); c.1106A>C, p.Asn369Thr (NM_001407312.1, NM_001407313.1); c.428A>C, p.Asn143Thr (NM_001407314.1); and 1 more; short protein forms N670T, N945T, N143T, N616T, N911T, N369T, N941T, N965T.
Identifiers: ClinVar variation 2753397 (VCV002753397.3), dbSNP rs2142336619, ClinGen allele CA395144295.

ClinVar aggregate classification (germline): Uncertain significance (1 of 4 stars; one submission).

Conditions:
Familial cancer of breast. Also called: BREAST CANCER, FAMILIAL; hereditary breast carcinoma; Hereditary breast cancer. Identifiers: Orphanet 227535, MedGen C0346153, MONDO:0016419, OMIM 114480. Disease mechanism: loss of function.

Submission:

Labcorp Genetics (formerly Invitae), Labcorp
Classification: Uncertain significance for Familial cancer of breast. Last evaluated: 2023-08-17. Review status: criteria provided, single submitter. Criteria: Invitae Variant Classification Sherloc (09022015). Collection method: clinical testing. Allele origin: germline.
Comment: In summary, the available evidence is currently insufficient to determine the role of this variant in disease. Therefore, it has been classified as a Variant of Uncertain Significance. Advanced modeling of protein sequence and biophysical properties (such as structural, functional, and spatial information, amino acid conservation, physicochemical variation, residue mobility, and thermodynamic stability) performed at Invitae indicates that this missense variant is not expected to disrupt PALB2 protein function. This variant has not been reported in the literature in individuals affected with PALB2-related conditions. This variant is not present in population databases (gnomAD no frequency). This sequence change replaces asparagine, which is neutral and polar, with threonine, which is neutral and polar, at codon 965 of the PALB2 protein (p.Asn965Thr).